The following is an entry in ClinVar:

NM_020806.5(GPHN):c.100C>T (p.Arg34Cys)

Gene: GPHN (gephyrin; plus strand). Cytogenetic location: 14q23.3.
Variant type: single nucleotide variant.
Coding change: c.100C>T on transcript NM_020806.5 (MANE Select); coding-DNA position 100, C replaced by T.
Protein change: p.Arg34Cys; replaces arginine 34 with cysteine.
Molecular consequence: missense variant.
Genome position (GRCh38, 1-based): chr14:66,681,142, C>T. VCF-style: chr14-66681142-C-T. GRCh37 (hg19) VCF-style: chr14-67147860-C-T.
Other names: c.100C>T, p.Arg34Cys (NM_001024218.2, NM_001377514.1, NM_001377515.1 and 4 more transcripts); short protein forms R34C.
Identifiers: ClinVar variation 846899 (VCV000846899.10), dbSNP rs771584129, ClinGen allele CA7233633.
Genomic context (GRCh38, chr14:66,681,142, plus strand): 5'-TTTTCTTTTCCCCATTTCTATTTAGTGAGTGATAGTTGCTTCAGGAATCTTGCAGAAGAC[C>T]GCAGTGGGATAAATCTCAAAGATCTCGTACAAGATCCTTCTTTGTGAGTATTGTGCTTTC-3'
Protein context (NP_065857.1, residues 24-44): DSCFRNLAED[Arg34Cys]SGINLKDLVQ

ClinVar aggregate classification (germline): Uncertain significance. Review status: criteria provided, multiple submitters, no conflicts (2 of 4 stars). 2 submissions from 2 submitters: Uncertain significance (2). Last evaluated 2024-10-29.

Conditions:
Sulfite oxidase deficiency due to molybdenum cofactor deficiency type C. Also called: Molybdenum cofactor deficiency, complementation group C; Molybdenum cofactor deficiency C. Identifiers: Orphanet 308400, Orphanet 833, MedGen C1854990, MONDO:0014212, OMIM 615501.

Allele frequency attached by ClinVar (database versions not stated): gnomAD exomes below 0.00001 and 0.00001; gnomAD 0.00001; ExAC 0.00002.
gnomAD v4.1: 6 of 1,599,442 alleles (0.00038%); highest among the groups gnomAD compares: South Asian, 0.0011%; no homozygotes.

Submissions (2):

Blueprint Genetics
Classification: Uncertain significance. Last evaluated: 2024-10-29. Review status: criteria provided, single submitter. Criteria: ACMG Guidelines, 2015. Collection method: clinical testing. Allele origin: germline.

Labcorp Genetics (formerly Invitae), Labcorp
Classification: Uncertain significance for Sulfite oxidase deficiency due to molybdenum cofactor deficiency type C. Last evaluated: 2020-10-15. Review status: criteria provided, single submitter. Criteria: Invitae Variant Classification Sherloc (09022015). Collection method: clinical testing. Allele origin: germline.
Comment: In summary, the available evidence is currently insufficient to determine the role of this variant in disease. Therefore, it has been classified as a Variant of Uncertain Significance. Algorithms developed to predict the effect of missense changes on protein structure and function are either unavailable or do not agree on the potential impact of this missense change (SIFT: "Deleterious"; PolyPhen-2: "Probably Damaging"; Align-GVGD: "Class C0"). This variant has not been reported in the literature in individuals with GPHN-related conditions. This variant is present in population databases (rs771584129, ExAC 0.01%). This sequence change replaces arginine with cysteine at codon 34 of the GPHN protein (p.Arg34Cys). The arginine residue is moderately conserved and there is a large physicochemical difference between arginine and cysteine.